The following is an entry in ClinVar:

ClinVar aggregate classification (germline): Uncertain significance (1 of 4 stars; one submission).

Conditions:
FG syndrome (FGS). Identifiers: MedGen C0220769, MONDO:0002010.

Submission:

Labcorp Genetics (formerly Invitae), Labcorp
Classification: Uncertain significance for FG syndrome. Last evaluated: 2023-08-30. Review status: criteria provided, single submitter. Criteria: Invitae Variant Classification Sherloc (09022015). Collection method: clinical testing. Allele origin: germline.
Comment: In summary, the available evidence is currently insufficient to determine the role of this variant in disease. Therefore, it has been classified as a Variant of Uncertain Significance. Advanced modeling of protein sequence and biophysical properties (such as structural, functional, and spatial information, amino acid conservation, physicochemical variation, residue mobility, and thermodynamic stability) performed at Invitae indicates that this missense variant is expected to disrupt MED12 protein function. This variant has not been reported in the literature in individuals affected with MED12-related conditions. This variant is not present in population databases (gnomAD no frequency). This sequence change replaces arginine, which is basic and polar, with histidine, which is basic and polar, at codon 295 of the MED12 protein (p.Arg295His).

NM_005120.3(MED12):c.884G>A (p.Arg295His)

Gene: MED12 (mediator complex subunit 12; plus strand). Cytogenetic location: Xq13.1.
Variant type: single nucleotide variant.
Coding change: c.884G>A on transcript NM_005120.3 (MANE Select); coding-DNA position 884, G replaced by A.
Protein change: p.Arg295His; replaces arginine 295 with histidine.
Molecular consequence: missense variant.
Genome position (GRCh38, 1-based): chrX:71,121,599, G>A. VCF-style: chrX-71121599-G-A. GRCh37 (hg19) VCF-style: chrX-70341449-G-A.
Other names: short protein forms R295H.
Identifiers: ClinVar variation 2756732 (VCV002756732.3), dbSNP rs2147779485, ClinGen allele CA413504427.